The following is an entry in ClinVar:

NM_014225.6(PPP2R1A):c.656C>T (p.Ser219Leu)

Gene: PPP2R1A (protein phosphatase 2 scaffold subunit Aalpha; plus strand). Cytogenetic location: 19q13.41.
Variant type: single nucleotide variant.
Coding change: c.656C>T on transcript NM_014225.6 (MANE Select); coding-DNA position 656, C replaced by T.
Protein change: p.Ser219Leu; replaces serine 219 with leucine.
Molecular consequence: missense variant. On other transcripts: non-coding transcript variant (1).
Genome position (GRCh38, 1-based): chr19:52,212,959, C>T. VCF-style: chr19-52212959-C-T. GRCh37 (hg19) VCF-style: chr19-52716212-C-T.
Other names: c.119C>T, p.Ser40Leu (NM_001363656.2); short protein forms S219L, S40L.
Identifiers: ClinVar variation 521503 (VCV000521503.63), dbSNP rs1555791268, ClinGen allele CA407184277.

ClinVar aggregate classification (germline): Pathogenic/Likely pathogenic. Review status: criteria provided, multiple submitters, no conflicts (2 of 4 stars). 12 submissions from 12 submitters: Pathogenic (7); Likely pathogenic (3). 2 of the submissions do not count toward it. Last evaluated 2024-04-08.

Conditions:
PPP2R1A-related disorder.
Houge-Janssens syndrome 2. Also called: INTELLECTUAL DEVELOPMENTAL DISORDER, AUTOSOMAL DOMINANT 36; Microcephaly-corpus callosum hypoplasia-intellectual disability-facial dysmorphism syndrome; PPP2R1A-Related Neurodevelopmental Disorder. Identifiers: Orphanet 457284, MedGen C4225352, MONDO:0014605, OMIM 616362.
Inborn genetic diseases. Identifiers: MedGen C0950123, MeSH D030342.

Submissions (12):

Ambry Genetics
Classification: Pathogenic for Inborn genetic diseases. Last evaluated: 2024-04-08. Review status: criteria provided, single submitter. Criteria: Ambry Variant Classification Scheme 2023. Collection method: clinical testing. Allele origin: germline.
Comment: The c.656C>T (p.S219L) alteration is located in exon 6 (coding exon 6) of the PPP2R1A gene. This alteration results from a C to T substitution at nucleotide position 656, causing the serine (S) at amino acid position 219 to be replaced by a leucine (L). This variant has been determined to be the result of a de novo mutation in multiple individuals with features consistent with PP2R1A-related neurodevelopmental disorder (Hamdan, 2017; Zhang, 2020; Lenaerts, 2020; DECIPHER v.9.32; Ambry internal data). PP2A binding assays demonstrated altered PP2A B-type subunit binding and decreased C subunit binding and a PP2A activity assay demonstrated significantly reduced PP2A activity (Lenaerts, 2020). This variant was not reported in population-based cohorts in the Genome Aggregation Database (gnomAD). This amino acid position is highly conserved in available vertebrate species. This missense alteration is located in a region that has a low rate of benign missense variation (Lek, 2016; Firth, 2009). The in silico prediction for this alteration is inconclusive. Based on the available evidence, this alteration is classified as pathogenic.

Labcorp Genetics (formerly Invitae), Labcorp
Classification: Pathogenic. Last evaluated: 2024-03-24. Review status: criteria provided, single submitter. Criteria: Invitae Variant Classification Sherloc (09022015). Collection method: clinical testing. Allele origin: germline.
Comment: This sequence change replaces serine, which is neutral and polar, with leucine, which is neutral and non-polar, at codon 219 of the PPP2R1A protein (p.Ser219Leu). This variant is not present in population databases (gnomAD no frequency). This missense change has been observed in individual(s) with PPP2R1A-related conditions (PMID: 29100083, 31531803, 33106617; Invitae). In at least one individual the variant was observed to be de novo. ClinVar contains an entry for this variant (Variation ID: 521503). Advanced modeling of protein sequence and biophysical properties (such as structural, functional, and spatial information, amino acid conservation, physicochemical variation, residue mobility, and thermodynamic stability) performed at Invitae indicates that this missense variant is expected to disrupt PPP2R1A protein function with a positive predictive value of 80%. For these reasons, this variant has been classified as Pathogenic.

HudsonAlpha Institute for Biotechnology
Classification: Pathogenic for Houge-Janssens syndrome 2. Last evaluated: 2024-02-16. Review status: criteria provided, single submitter. Criteria: ACMG Guidelines, 2015. Collection method: research. Allele origin: unknown. Inheritance: Autosomal dominant inheritance. Observed: 1 variant allele. Study: HudsonAlpha-AGHI-WGS.
Comment: ACMG codes:PS2, PS4, PM2, PP2, PP3

Duke University Health System Sequencing Clinic, Duke University Health System
Classification: Pathogenic for Houge-Janssens syndrome 2. Last evaluated: 2023-04-20. Review status: criteria provided, single submitter. Criteria: ACMG Guidelines, 2015. Collection method: research. Allele origin: de novo. Affected: yes.

Illumina Laboratory Services, Illumina
Classification: Pathogenic for Houge-Janssens syndrome 2. Last evaluated: 2021-12-10. Review status: criteria provided, single submitter. Criteria: ICSLVariantClassificationCriteria RUGD 01 April 2020. Collection method: clinical testing. Allele origin: unknown.
Comment: The PPP2R1A c.656C>T (p.Ser219Leu) missense variant results in the substitution of serine at amino acid position 219 with leucine. This variant has been reported in a de novo heterozygous state in five individuals with PPP2R1A-related neurodevelopmental disorder (Hamdan et al. 2017; Zhang et al. 2020; Lenaerts et al. 2021). This variant is not found in version 2.1.1 or version 3.1.2 of the Genome Aggregation Database. Functional studies in HEK293 cells by Lenaerts et al. (2021) demonstrated that the c.656C>T variant showed near complete loss of binding of the B55α and B56β regulatory subunits, while binding to PP2A-C subunit was reduced by about 50%. Based on the available evidence, the c.656C>T (p.Ser219Leu) variant is classified as pathogenic for PPP2R1A-related neurodevelopmental disorder.

GeneDx
Classification: Pathogenic. Last evaluated: 2021-11-15. Review status: criteria provided, single submitter. Criteria: GeneDx Variant Classification Process June 2021. Collection method: clinical testing. Allele origin: germline. Affected: yes.
Comment: Not observed in large population cohorts (Lek et al., 2016); In silico analysis, which includes protein predictors and evolutionary conservation, supports a deleterious effect; In-silico analysis is inconclusive as to whether the variant alters gene splicing. In the absence of RNA/functional studies, the actual effect of this sequence change is unknown.; This variant is associated with the following publications: (PMID: 29100083, 26920370, 31531803)

CeGaT Center for Human Genetics Tuebingen
Classification: Likely pathogenic. Last evaluated: 2021-06-01. Review status: criteria provided, single submitter. Criteria: CeGaT Center For Human Genetics Tuebingen Variant Classification Criteria Version 2. Collection method: clinical testing. Allele origin: germline. Affected: yes. Observed: 1 variant allele.

Institute of Human Genetics, University of Leipzig Medical Center
Classification: Likely pathogenic for Houge-Janssens syndrome 2. Last evaluated: 2021-03-01. Review status: criteria provided, single submitter. Criteria: ACMG Guidelines, 2015. Collection method: clinical testing. Allele origin: de novo. Affected: yes.
Comment: This variant was identified as de novo (maternity and paternity confirmed).

Equipe Genetique des Anomalies du Developpement, Université de Bourgogne
Classification: Likely pathogenic for Houge-Janssens syndrome 2. Last evaluated: 2016-01-01. Review status: criteria provided, single submitter. Criteria: ACMG Guidelines, 2015. Collection method: clinical testing. Allele origin: de novo. Affected: yes.

Juno Genomics, Hangzhou Juno Genomics, Inc
Classification: Pathogenic for Houge-Janssens syndrome 2. Review status: criteria provided, single submitter. Criteria: ACMG Guidelines, 2015. Collection method: clinical testing. Allele origin: germline. Affected: yes.
Comment: Absent from controls (or at extremely low frequency if recessive) in Genome Aggregation Database.;Well-established in vitro or in vivo functional studies supportive of a damaging effect on the gene or gene product.;The prevalence of the variant in affected individuals is significantly increased compared to the prevalence in controls.;Patient's phenotype or family history is highly specific for a disease with a single genetic etiology.;De novo (both maternity and paternity confirmed) in a patient with the disease and no family history.

PreventionGenetics, part of Exact Sciences
Classification: Pathogenic for PPP2R1A-related condition. Last evaluated: 2024-09-03. Review status: no assertion criteria provided. Collection method: clinical testing. Allele origin: germline. Not counted in ClinVar's aggregate classification.
Comment: The PPP2R1A c.656C>T variant is predicted to result in the amino acid substitution p.Ser219Leu. This variant occurred de novo in two patients with developmental and epileptic encephalopathy (Hamdan et al. 2017. PubMed ID: 29100083; Zhang et al. 2019. PubMed ID: 31531803). Additionally, de novo missense variation is a known mechanism of PPP2R1A-related disease (McRae et al. 2017. PubMed ID: 28135719; Houge et al. 2015. PubMed ID: 26168268). This variant has not been reported in a large population database, indicating this variant is rare. Based on the available evidence, we interpret this variant as pathogenic.

Cytogénomique, Hospices Civils de Lyon
Classification: Pathogenic for Houge-Janssens syndrome 2. Review status: no assertion criteria provided. Collection method: clinical testing. Allele origin: de novo. Inheritance: Autosomal dominant inheritance. Affected: yes. Not counted in ClinVar's aggregate classification.

Literature cited by the submitters: PubMed 29100083 (cited by 3 submitters); PubMed 31531803 (cited by 3 submitters); PubMed 33106617 (cited by 4 submitters).